The following is an entry in ClinVar:

ClinVar aggregate classification (germline): Conflicting classifications of pathogenicity. Review status: criteria provided, conflicting classifications (1 of 4 stars). 8 submissions from 8 submitters: Uncertain significance (1); Benign (2); Likely benign (5). Last evaluated 2026-01-05.

Conditions:
Cardiovascular phenotype. Identifiers: MedGen CN230736.
Cardiomyopathy (CMYO). Also called: Cardiomyopathies. Identifiers: Orphanet 167848, MedGen C0878544, MONDO:0004994, HP:0001638. Inheritance: Various modes of inheritance.
Arrhythmogenic right ventricular dysplasia 11. Also called: ARRHYTHMOGENIC RIGHT VENTRICULAR DYSPLASIA, FAMILIAL, 11; Arrhythmogenic Right Ventricular Dysplasia/Cardiomyopathy11; Arrhythmogenic right ventricular dysplasia 11 with mild palmoplantar keratoderma and woolly hair. Identifiers: MedGen C1864850, MONDO:0012506, OMIM 610476.
Hypertrophic cardiomyopathy. Also called: HYPERTROPHIC MYOCARDIOPATHY. Identifiers: Orphanet 217569, MedGen C0007194, MeSH D002312, MONDO:0005045, HP:0001639.

Allele frequency attached by ClinVar (database versions not stated): TOPMed 0.00023; gnomAD 0.00045; 1000 Genomes Project 30x 0.00187; 1000 Genomes Project 0.00200.

Submissions (8):

Labcorp Genetics (formerly Invitae), Labcorp
Classification: Benign for Arrhythmogenic right ventricular dysplasia 11. Last evaluated: 2026-01-05. Review status: criteria provided, single submitter. Criteria: Invitae Variant Classification Sherloc (09022015). Collection method: clinical testing. Allele origin: germline.

Blueprint Genetics
Classification: Likely benign. Last evaluated: 2024-07-24. Review status: criteria provided, single submitter. Criteria: ACMG Guidelines, 2015. Collection method: clinical testing. Allele origin: germline.

Center for Advanced Laboratory Medicine, UC San Diego Health, University of California San Diego
Classification: Likely benign for Hypertrophic cardiomyopathy. Last evaluated: 2018-05-08. Review status: criteria provided, single submitter. Criteria: ACMG Guidelines, 2015. Collection method: clinical testing. Allele origin: germline. Affected: yes. Observed: 1 variant allele.

Color Diagnostics, LLC DBA Color Health
Classification: Likely benign for Cardiomyopathy. Last evaluated: 2018-04-19. Review status: criteria provided, single submitter. Criteria: ACMG Guidelines, 2015. Collection method: clinical testing. Allele origin: germline.

Ambry Genetics
Classification: Likely benign for Cardiovascular phenotype. Last evaluated: 2018-01-23. Review status: criteria provided, single submitter. Criteria: Ambry Variant Classification Scheme 2023. Collection method: clinical testing. Allele origin: germline.

GeneDx
Classification: Benign. Last evaluated: 2016-08-29. Review status: criteria provided, single submitter. Criteria: GeneDx Variant Classification (06012015). Collection method: clinical testing. Allele origin: germline. Affected: yes.
Comment: This variant is considered likely benign or benign based on one or more of the following criteria: it is a conservative change, it occurs at a poorly conserved position in the protein, it is predicted to be benign by multiple in silico algorithms, and/or has population frequency not consistent with disease.

CHEO Genetics Diagnostic Laboratory, Children's Hospital of Eastern Ontario
Classification: Uncertain significance for Cardiomyopathy. Last evaluated: 2015-10-23. Review status: criteria provided, single submitter. Criteria: ACMG Guidelines, 2015. Collection method: clinical testing. Allele origin: germline. Study: Canadian Open Genetics Repository.

Laboratory for Molecular Medicine, Mass General Brigham Personalized Medicine
Classification: Likely benign. Last evaluated: 2015-04-23. Review status: criteria provided, single submitter. Criteria: LMM Criteria. Collection method: clinical testing. Allele origin: germline. Observed: 1 variant allele.
Comment: p.Arg833Cys in exon 15 of DSC2: This variant is not expected to have clinical si gnificance because it has been identified in 0.5% (43/8636) of East Asian chromo somes by the Exome Aggregation Consortium (ExAC; dbSNP rs142410803). Arginine (Arg) at position 833 is not conserved in mammals or evolutionarily distant species and 1 mammal (cape elephant shrew) carries a c ysteine (Cys) at this position, further supporting that this change may be toler ated.

Literature cited by the submitters: PubMed 21636032 (cited by Ambry Genetics and Laboratory for Molecular Medicine, Mass General Brigham Personalized Medicine).

NM_024422.6(DSC2):c.2497C>T (p.Arg833Cys)

Gene: DSC2 (desmocollin 2; minus strand). Cytogenetic location: 18q12.1.
Variant type: single nucleotide variant.
Coding change: c.2497C>T on transcript NM_024422.6 (MANE Select); coding-DNA position 2497, C replaced by T.
Protein change: p.Arg833Cys; replaces arginine 833 with cysteine.
Molecular consequence: missense variant.
Genome position (GRCh38, 1-based): chr18:31,068,905, G>A on the plus strand (C>T on the coding strand, the complement: DSC2 is on the minus strand). VCF-style: chr18-31068905-G-A. GRCh37 (hg19) VCF-style: chr18-28648871-G-A.
Other names: p.R833C:CGT>TGT; c.2497C>T, p.Arg833Cys (NM_004949.5); short protein forms R833C.
Identifiers: ClinVar variation 180318 (VCV000180318.31), dbSNP rs142410803, ClinGen allele CA022747.